The following is an entry in ClinVar:

NM_017514.5(PLXNA3):c.428C>T (p.Ser143Leu)

Gene: PLXNA3 (plexin A3; plus strand). Cytogenetic location: Xq28.
Variant type: single nucleotide variant.
Coding change: c.428C>T on transcript NM_017514.5 (MANE Select); coding-DNA position 428, C replaced by T.
Protein change: p.Ser143Leu; replaces serine 143 with leucine.
Molecular consequence: missense variant.
Genome position (GRCh38, 1-based): chrX:154,460,611, C>T. VCF-style: chrX-154460611-C-T. GRCh37 (hg19) VCF-style: chrX-153688951-C-T.
Other names: short protein forms S143L.
Identifiers: ClinVar variation 4989940 (VCV004989940.1).
Genomic context (GRCh38, chrX:154,460,611, plus strand): 5'-TGCGTCTGGACGACCTCTTCAAGCTGGGTGAGCCGCACCACCGCAAGGAGCACTACCTGT[C>T]GGGGGCCCAGGAGCCCGACTCCATGGCTGGTGTCATTGTGGAGCAGGGCCAGGGGCCCAG-3'
Protein context (NP_059984.3, residues 133-153): EPHHRKEHYL[Ser143Leu]GAQEPDSMAG

ClinVar aggregate classification (germline): Uncertain significance (1 of 4 stars; one submission).

Conditions:
PLXNA3-related disorder. Also called: PLXNA3-related condition.

gnomAD v4.1: 16 of 1,191,734 alleles (0.0013%); highest among the groups gnomAD compares: Admixed American, 0.0045%; no homozygotes.

Submission:

PreventionGenetics, part of Exact Sciences
Classification: Uncertain significance for PLXNA3-related condition. Last evaluated: 2024-10-07. Review status: criteria provided, single submitter. Criteria: ACMG Guidelines, 2015. Collection method: clinical testing. Allele origin: germline.
Comment: The PLXNA3 c.428C>T variant is predicted to result in the amino acid substitution p.Ser143Leu. This variant was reported in a study of individuals with neurodevelopmental disorder (Table S11, Stessman et al. 2017. PubMed ID: 28191889). This variant is reported in 0.0039% of alleles in individuals of Latino descent in gnomAD. At this time, the clinical significance of this variant is uncertain due to the absence of conclusive functional and genetic evidence.